The following is an entry in ClinVar:

NM_002109.6(HARS1):c.880C>G (p.Gln294Glu)

Gene: HARS1 (histidyl-tRNA synthetase 1; minus strand). Cytogenetic location: 5q31.3.
Variant type: single nucleotide variant.
Coding change: c.880C>G on transcript NM_002109.6 (MANE Select); coding-DNA position 880, C replaced by G.
Protein change: p.Gln294Glu; replaces glutamine 294 with glutamic acid.
Molecular consequence: missense variant.
Genome position (GRCh38, 1-based): chr5:140,677,060, G>C on the plus strand (C>G on the coding strand, the complement: HARS1 is on the minus strand). VCF-style: chr5-140677060-G-C. GRCh37 (hg19) VCF-style: chr5-140056645-G-C.
Other names: c.760C>G, p.Gln254Glu (NM_001258040.3); c.820C>G, p.Gln274Glu (NM_001258041.3); c.700C>G, p.Gln234Glu (NM_001258042.3); c.658C>G, p.Gln220Glu (NM_001289092.2); c.538C>G, p.Gln180Glu (NM_001289093.2); c.793C>G, p.Gln265Glu (NM_001289094.2); short protein forms Q265E, Q180E, Q294E, Q220E, Q234E, Q254E, Q274E.
Identifiers: ClinVar variation 946726 (VCV000946726.11), dbSNP rs1379178692, ClinGen allele CA361252961.
Genomic context (GRCh38, chr5:140,677,060, plus strand): 5'-TGCCAAATAGGGTCAGGTACTCAAAGAGCAACTTCAGGTCTCCCAGGCCCTCCAAGGCCT[G>C]CTTGTTTTGGGATAGTTTAGGATCCTGGAGCAGCTGTTCCACCAGGGATACCCCACCTGG-3'
Protein context (NP_002100.2, residues 284-304): LQDPKLSQNK[Gln294Glu]ALEGLGDLKL

ClinVar aggregate classification (germline): Uncertain significance. Review status: criteria provided, multiple submitters, no conflicts (2 of 4 stars). 3 submissions from 3 submitters: Uncertain significance (3). Last evaluated 2025-07-28.

Conditions:
Usher syndrome type 3B. Also called: USHER SYNDROME, TYPE IIIB. Identifiers: MedGen C3281066, MONDO:0013788, OMIM 614504.

Allele frequency attached by ClinVar (database versions not stated): gnomAD 0.00001; gnomAD exomes 0.00001 and 0.00003; TOPMed 0.00001.
gnomAD v4.1: 40 of 1,613,976 alleles (0.0025%); highest among the groups gnomAD compares: Non-Finnish European, 0.0033%; no homozygotes.

Submissions (3):

Women's Health and Genetics/Laboratory Corporation of America, LabCorp
Classification: Uncertain significance. Last evaluated: 2025-07-28. Review status: criteria provided, single submitter. Criteria: LabCorp Variant Classification Summary - May 2015. Collection method: clinical testing. Allele origin: germline.
Comment: Variant summary: HARS1 c.880C>G (p.Gln294Glu) results in a conservative amino acid change in the encoded protein sequence. Algorithms developed to predict the effect of missense changes on protein structure and function are either unavailable or do not agree on the potential impact of this missense change. The variant allele was found at a frequency of 8e-06 in 251222 control chromosomes (gnomAD). The available data on variant occurrences in the general population are insufficient to allow any conclusion about variant significance. To our knowledge, no occurrence of c.880C>G in individuals affected with Autosomal dominant Charcot-Marie-Tooth disease type 2W and no experimental evidence demonstrating its impact on protein function have been reported. ClinVar contains an entry for this variant (Variation ID: 946726). Based on the evidence outlined above, the variant was classified as uncertain significance.

Labcorp Genetics (formerly Invitae), Labcorp
Classification: Uncertain significance for Usher syndrome type 3B. Last evaluated: 2025-04-17. Review status: criteria provided, single submitter. Criteria: Invitae Variant Classification Sherloc (09022015). Collection method: clinical testing. Allele origin: germline.
Comment: This sequence change replaces glutamine, which is neutral and polar, with glutamic acid, which is acidic and polar, at codon 294 of the HARS protein (p.Gln294Glu). This variant is present in population databases (no rsID available, gnomAD 0.003%). This variant has not been reported in the literature in individuals affected with HARS-related conditions. ClinVar contains an entry for this variant (Variation ID: 946726). Invitae Evidence Modeling of protein sequence and biophysical properties (such as structural, functional, and spatial information, amino acid conservation, physicochemical variation, residue mobility, and thermodynamic stability) indicates that this missense variant is not expected to disrupt HARS protein function with a negative predictive value of 80%. In summary, the available evidence is currently insufficient to determine the role of this variant in disease. Therefore, it has been classified as a Variant of Uncertain Significance.

Blueprint Genetics
Classification: Uncertain significance. Last evaluated: 2023-09-26. Review status: criteria provided, single submitter. Criteria: ACMG Guidelines, 2015. Collection method: clinical testing. Allele origin: germline.